The following is an entry in ClinVar:

ClinVar aggregate classification (germline): Uncertain significance (1 of 4 stars; one submission).

Allele frequency attached by ClinVar (database versions not stated): gnomAD exomes below 0.00001 and 0.00001; ExAC 0.00001; gnomAD 0.00001; TOPMed 0.00001.
gnomAD v4.1: 5 of 1,613,556 alleles (0.00031%); highest among the groups gnomAD compares: East Asian, 0.011%; no homozygotes.

Submission:

Labcorp Genetics (formerly Invitae), Labcorp
Classification: Uncertain significance. Last evaluated: 2022-03-29. Review status: criteria provided, single submitter. Criteria: Invitae Variant Classification Sherloc (09022015). Collection method: clinical testing. Allele origin: germline.
Comment: In summary, the available evidence is currently insufficient to determine the role of this variant in disease. Therefore, it has been classified as a Variant of Uncertain Significance. Algorithms developed to predict the effect of missense changes on protein structure and function (SIFT, PolyPhen-2, Align-GVGD) all suggest that this variant is likely to be tolerated. This variant has not been reported in the literature in individuals affected with TUB-related conditions. This variant is present in population databases (rs759596902, gnomAD 0.006%). This sequence change replaces valine, which is neutral and non-polar, with alanine, which is neutral and non-polar, at codon 454 of the TUB protein (p.Val454Ala).

NM_177972.3(TUB):c.1196T>C (p.Val399Ala)

Genes: RIC3 (RIC3 acetylcholine receptor chaperone; minus strand), TUB (TUB bipartite transcription factor; plus strand). Cytogenetic location: 11p15.4.
Variant type: single nucleotide variant.
Coding change: c.1196T>C on transcript NM_177972.3 (MANE Select); coding-DNA position 1196, T replaced by C.
Protein change: p.Val399Ala; replaces valine 399 with alanine.
Molecular consequence: missense variant.
Genome position (GRCh38, 1-based): chr11:8,100,582, T>C. VCF-style: chr11-8100582-T-C. GRCh37 (hg19) VCF-style: chr11-8122129-T-C.
Other names: c.1361T>C, p.Val454Ala (NM_003320.5); short protein forms V454A, V399A.
Identifiers: ClinVar variation 1473834 (VCV001473834.6), dbSNP rs759596902, ClinGen allele CA5871391.
Genomic context (GRCh38, chr11:8,100,582, plus strand): 5'-TCAAGGGGCCTCGGAAGATGAGCGTGATTGTCCCAGGCATGAACATGGTTCATGAGAGAG[T>C]CTCTATCCGCCCCCGCAACGTGAGTGTCTACCCCTTCCTCCCCTCTTTCCCCATCATCCT-3'
Protein context (NP_813977.1, residues 389-409): VPGMNMVHER[Val399Ala]SIRPRNEHET